The following is an entry in ClinVar:

ClinVar aggregate classification (germline): Pathogenic (1 of 4 stars; one submission).

Conditions:
Congenital glaucoma. Identifiers: MedGen C0020302, MONDO:0020366.

Submission:

Labcorp Genetics (formerly Invitae), Labcorp
Classification: Pathogenic for Congenital glaucoma. Last evaluated: 2024-01-08. Review status: criteria provided, single submitter. Criteria: Invitae Variant Classification Sherloc (09022015). Collection method: clinical testing. Allele origin: germline.
Comment: This sequence change creates a premature translational stop signal (p.Ile471Metfs*33) in the CYP1B1 gene. While this is not anticipated to result in nonsense mediated decay, it is expected to disrupt the last 73 amino acid(s) of the CYP1B1 protein. This variant is not present in population databases (gnomAD no frequency). This variant has not been reported in the literature in individuals affected with CYP1B1-related conditions. This variant disrupts a region of the CYP1B1 protein in which other variant(s) (p.Met503*) have been determined to be pathogenic (PMID: 17591938). This suggests that this is a clinically significant region of the protein, and that variants that disrupt it are likely to be disease-causing. For these reasons, this variant has been classified as Pathogenic.

Literature cited by the submitters: PubMed 17591938.

NM_000104.4(CYP1B1):c.1413del (p.Ile471fs)

Genes: CYP1B1 (cytochrome P450 family 1 subfamily B member 1; minus strand), LOC128772254 (melanoma risk locus-associated MPRA allelic enhancer 2:38298139; plus strand). Cytogenetic location: 2p22.2.
Variant type: Deletion.
Coding change: c.1413del on transcript NM_000104.4 (MANE Select); coding-DNA position 1413, one base deleted (T; older notation c.1413delT).
Protein change: p.Ile471fs; shifts the reading frame from isoleucine 471.
Molecular consequence: frameshift variant.
Genome position (GRCh38, 1-based): chr2:38,070,941, A deleted on the plus strand (T on the coding strand, the reverse complement: CYP1B1 is on the minus strand); the first of 2 consecutive A bases (chr2:38,070,941-38,070,942); deleting either gives the same sequence. VCF-style (leftmost placement, unchanged base first): chr2-38070940-CA-C. GRCh37 (hg19) VCF-style: chr2-38298083-CA-C.
Other names: short protein forms I471fs.
Identifiers: ClinVar variation 2708243 (VCV002708243.3), dbSNP rs2465878487, ClinGen allele CA2697548003.